The following is an entry in ClinVar:

NM_000487.6(ARSA):c.566dup (p.Glu190fs)

Gene: ARSA (arylsulfatase A; minus strand). Cytogenetic location: 22q13.33.
Variant type: Duplication.
Coding change: c.566dup on transcript NM_000487.6 (MANE Select); coding-DNA position 566, one base duplicated (T; older notation c.566dupT).
Protein change: p.Glu190fs; shifts the reading frame from glutamic acid 190.
Molecular consequence: frameshift variant.
Genome position (GRCh38, 1-based): chr22:50,626,952, A duplicated on the plus strand (T on the coding strand, the reverse complement: ARSA is on the minus strand). VCF-style (leftmost placement, unchanged base first): chr22-50626951-C-CA. GRCh37 (hg19) VCF-style: chr22-51065379-C-CA.
Other names: c.566dup, p.Glu190fs (NM_001085425.3, NM_001085426.3, NM_001085427.3); c.308dup, p.Glu104fs (NM_001085428.3, NM_001362782.2); short protein forms E104fs, E190fs.
Identifiers: ClinVar variation 5011973 (VCV005011973.1).

ClinVar aggregate classification (germline): Pathogenic (1 of 4 stars; one submission).

Conditions:
Metachromatic leukodystrophy (MLD). Also called: ARSA DEFICIENCY; CEREBROSIDE SULFATASE DEFICIENCY; METACHROMATIC LEUKOENCEPHALOPATHY; SULFATIDE LIPIDOSIS; Cerebral sclerosis diffuse metachromatic form; Arylsulfatase A Deficiency. Identifiers: Orphanet 512, MedGen C0023522, MONDO:0018868, OMIM 250100.

Submission:

Myriad Genetics, Inc.
Classification: Pathogenic for Metachromatic leukodystrophy. Last evaluated: 2023-09-27. Review status: criteria provided, single submitter. Criteria: Myriad Autosomal Dominant, Autosomal Recessive and X-Linked Classification Criteria (2023). Collection method: clinical testing. Allele origin: unknown.
Comment: NM_000487.5(ARSA):c.566dupT(E190Gfs*20) is expected to be pathogenic in the context of metachromatic leukodystrophy. This variant is predicted to lead to an abnormal or absent protein product due to the creation of a premature termination codon in ARSA, a gene where loss-of-function variants are known to be pathogenic. Please note: this variant was assessed in the context of healthy population screening.